The following is an entry in ClinVar:

NM_003307.4(TRPM2):c.3777C>T (p.Asn1259=)

Gene: TRPM2 (transient receptor potential cation channel subfamily M member 2; plus strand). Cytogenetic location: 21q22.3.
Variant type: single nucleotide variant.
Coding change: c.3777C>T on transcript NM_003307.4 (MANE Select); coding-DNA position 3777, C replaced by T.
Protein change: p.Asn1259=; no amino-acid change (asparagine 1259 retained).
Molecular consequence: synonymous variant. On other transcripts: 5 prime UTR variant (1), non-coding transcript variant (1).
Genome position (GRCh38, 1-based): chr21:44,425,809, C>T. VCF-style: chr21-44425809-C-T. GRCh37 (hg19) VCF-style: chr21-45845692-C-T.
Other names: c.3927C>T, p.Asn1309= (NM_001320350.2); c.3777C>T, p.Asn1259= (NM_001320351.2); c.-39C>T (NM_001320352.3).
Identifiers: ClinVar variation 778183 (VCV000778183.29), dbSNP rs140290337, ClinGen allele CA10055599.

ClinVar aggregate classification (germline): Benign. Review status: criteria provided, multiple submitters, no conflicts (2 of 4 stars). 3 submissions from 3 submitters: Benign (3). Last evaluated 2022-09-01.

Allele frequency attached by ClinVar (database versions not stated): 1000 Genomes Project 30x 0.00062; 1000 Genomes Project 0.00080; gnomAD 0.00248 and 0.00253; TOPMed 0.00268; ESP Exome Variant Server 0.00300; gnomAD exomes 0.00314; ExAC 0.00369.
gnomAD v4.1: 3,983 of 1,576,704 alleles (0.25%); highest among the groups gnomAD compares: Middle Eastern, 1.7%; 21 homozygotes.

Submissions (3):

CeGaT Center for Human Genetics Tuebingen
Classification: Benign. Last evaluated: 2022-09-01. Review status: criteria provided, single submitter. Criteria: CeGaT Center For Human Genetics Tuebingen Variant Classification Criteria Version 2. Collection method: clinical testing. Allele origin: germline. Affected: yes. Observed: 1 variant allele.
Comment: TRPM2: BS1, BS2

Labcorp Genetics (formerly Invitae), Labcorp
Classification: Benign. Last evaluated: 2019-12-31. Review status: criteria provided, single submitter. Criteria: Invitae Variant Classification Sherloc (09022015). Collection method: clinical testing. Allele origin: germline.

Breakthrough Genomics
Classification: Benign. Review status: criteria provided, single submitter. Criteria: ACMG Guidelines, 2015. Collection method: not provided. Allele origin: germline. Inheritance: Unknown mechanism. Affected: yes.